The following is an entry in ClinVar:

ClinVar aggregate classification (germline): Uncertain significance. Review status: criteria provided, multiple submitters, no conflicts (2 of 4 stars). 10 submissions from 10 submitters: Uncertain significance (9). 1 of the submissions does not count toward it. Last evaluated 2026-04-07.

Conditions:
RAD51D-related disorder. Also called: RAD51D-related condition.
Hereditary cancer-predisposing syndrome. Also called: Neoplastic Syndromes, Hereditary; Tumor predisposition; Hereditary neoplastic syndrome; Hereditary Cancer Syndrome. Identifiers: Orphanet 140162, MedGen C0027672, MeSH D009386, MONDO:0015356.
Hereditary breast ovarian cancer syndrome. Also called: Hereditary breast and/or ovarian cancer syndrome; Hereditary breast and ovarian cancer syndrome; Hereditary breast and ovarian cancer; Hereditary breast and ovarian cancer syndrome (HBOC); Breast and ovarian cancer; BRCA1- and BRCA2-Associated Hereditary Breast and Ovarian Cancer. Identifiers: Orphanet 145, MedGen C0677776, MeSH D061325, MONDO:0003582. Disease mechanism: loss of function.
Breast-ovarian cancer, familial, susceptibility to, 4. Identifiers: Orphanet 145, MedGen C3280345, MONDO:0013669, OMIM 614291.

Allele frequency attached by ClinVar (database versions not stated): gnomAD exomes below 0.00001; TOPMed below 0.00001.
gnomAD v4.1: 4 of 1,551,654 alleles (0.00026%); highest among the groups gnomAD compares: Non-Finnish European, 0.00036%; no homozygotes.

Submissions (10):

PreventionGenetics, part of Exact Sciences
Classification: Uncertain significance for RAD51D-related condition. Last evaluated: 2026-04-07. Review status: criteria provided, single submitter. Criteria: ACMG Guidelines, 2015. Collection method: clinical testing. Allele origin: germline.
Comment: The RAD51D c.339A>C variant is predicted to result in the amino acid substitution p.Lys113Asn. To our knowledge, this variant has not been reported in the literature or in a large population database (gnomAD), indicating this variant is rare. This variant is interpreted as uncertain in ClinVar (Variation ID: 185853). Of note, other missense variants impacting the same codon (p.Lys113Arg and p.Lys113Ala) have been shown to severely reduce repair activity in DNA repair assay in cultured mammalian cells (Gruver et al. 2005. PubMed ID: 16236763). At this time, the clinical significance of the c.339A>C (p.Lys113Asn) variant is uncertain due to the absence of conclusive functional and genetic evidence.

Labcorp Genetics (formerly Invitae), Labcorp
Classification: Uncertain significance for Breast-ovarian cancer, familial, susceptibility to, 4. Last evaluated: 2025-12-29. Review status: criteria provided, single submitter. Criteria: Invitae Variant Classification Sherloc (09022015). Collection method: clinical testing. Allele origin: germline.
Comment: This sequence change replaces lysine, which is basic and polar, with asparagine, which is neutral and polar, at codon 113 of the RAD51D protein (p.Lys113Asn). This variant is not present in population databases (gnomAD no frequency). This variant has not been reported in the literature in individuals affected with RAD51D-related conditions. ClinVar contains an entry for this variant (Variation ID: 185853). Invitae Evidence Modeling of protein sequence and biophysical properties (such as structural, functional, and spatial information, amino acid conservation, physicochemical variation, residue mobility, and thermodynamic stability) indicates that this missense variant is expected to disrupt RAD51D protein function with a positive predictive value of 80%. In summary, the available evidence is currently insufficient to determine the role of this variant in disease. Therefore, it has been classified as a Variant of Uncertain Significance.

Ambry Genetics
Classification: Uncertain significance for Hereditary cancer-predisposing syndrome. Last evaluated: 2025-05-08. Review status: criteria provided, single submitter. Criteria: Ambry Variant Classification Scheme 2023. Collection method: clinical testing. Allele origin: germline.
Comment: The p.K113N variant (also known as c.339A>C), located in coding exon 4 of the RAD51D gene, results from an A to C substitution at nucleotide position 339. The lysine at codon 113 is replaced by asparagine, an amino acid with similar properties. This amino acid position is highly conserved in available vertebrate species. In addition, this alteration is predicted to be deleterious by in silico analysis. Since supporting evidence is limited at this time, the clinical significance of this alteration remains unclear.

Color Diagnostics, LLC DBA Color Health
Classification: Uncertain significance for Hereditary cancer-predisposing syndrome. Last evaluated: 2025-04-09. Review status: criteria provided, single submitter. Criteria: ACMG Guidelines, 2015. Collection method: clinical testing. Allele origin: germline.
Comment: This missense variant replaces lysine with asparagine at codon 113 within the ATP-binding motif of the ATPase domain of the RAD51D protein. Computational prediction suggests that this variant may have deleterious impact on protein structure and function. To our knowledge, functional studies have not been performed for this variant. However, other missense mutations affecting the same codon (p.Lys113Arg and p.Lys113Ala) have been shown to severely reduce repair activity in DNA repair assay in cultured mammalian cells (PMID: 16236763). This variant has not been reported in individuals affected with hereditary cancer in the literature. This variant has not been identified in the general population by the Genome Aggregation Database (gnomAD). The available evidence is insufficient to determine the role of this variant in disease conclusively. Therefore, this variant is classified as a Variant of Uncertain Significance.

Baylor Genetics
Classification: Uncertain significance for Breast-ovarian cancer, familial, susceptibility to, 4. Last evaluated: 2023-09-29. Review status: criteria provided, single submitter. Criteria: ACMG Guidelines, 2015. Collection method: clinical testing. Allele origin: unknown.

GeneDx
Classification: Uncertain significance. Last evaluated: 2023-08-08. Review status: criteria provided, single submitter. Criteria: GeneDx Variant Classification Process June 2021. Collection method: clinical testing. Allele origin: germline. Affected: yes.
Comment: Not observed at significant frequency in large population cohorts (gnomAD); In silico analysis supports that this missense variant has a deleterious effect on protein structure/function; Has not been previously published as pathogenic or benign to our knowledge; This variant is associated with the following publications: (PMID: 21111057, 14704354)

Myriad Genetics, Inc.
Classification: Uncertain significance for Breast-ovarian cancer, familial, susceptibility to, 4. Last evaluated: 2023-04-06. Review status: criteria provided, single submitter. Criteria: Myriad Autosomal Dominant, Autosomal Recessive and X-Linked Classification Criteria (2023). Collection method: clinical testing. Allele origin: unknown.
Comment: This variant is classified as a variant of uncertain significance as there is insufficient evidence to determine its impact on protein function and/or cancer risk.

Department of Pathology and Laboratory Medicine, Sinai Health System
Classification: Uncertain significance for Hereditary breast ovarian cancer syndrome. Last evaluated: 2022-03-04. Review status: criteria provided, single submitter. Criteria: ACMG Guidelines, 2015. Collection method: clinical testing. Allele origin: germline. Affected: yes.

Sema4
Classification: Uncertain significance for Hereditary cancer-predisposing syndrome. Last evaluated: 2021-09-18. Review status: criteria provided, single submitter. Criteria: Sema4 Curation Guidelines. Collection method: curation. Allele origin: germline.
Comment: To the best of our knowledge, the RAD51D c.339A>C (p.K113N) variant has not been reported in individuals with RAD51D-related disease. This variant is not reported in the population database Genome Aggregation Database (PMID: 32461654), but has been reported in ClinVar (Variation ID: 185853). In silico tools suggest the impact of the variant on protein function is deleterious, though these predictions have not been confirmed by functional studies. Based on the current evidence available, this variant is interpreted as a variant of uncertain significance.

Counsyl
Classification: Uncertain significance for Breast-ovarian cancer, familial, susceptibility to, 4. Last evaluated: 2016-08-15. Review status: no assertion criteria provided. Collection method: clinical testing. Allele origin: unknown. Not counted in ClinVar's aggregate classification.

Literature cited by the submitters: PubMed 16236763 (cited by Color Diagnostics, LLC DBA Color Health).

NM_002878.4(RAD51D):c.339A>C (p.Lys113Asn)

Genes: RAD51D (RAD51 paralog D; minus strand), RAD51L3-RFFL (RAD51L3-RFFL readthrough; minus strand). Cytogenetic location: 17q12.
Variant type: single nucleotide variant.
Coding change: c.339A>C on transcript NM_002878.4 (MANE Select); coding-DNA position 339, A replaced by C.
Protein change: p.Lys113Asn; replaces lysine 113 with asparagine.
Molecular consequence: missense variant. On other transcripts: non-coding transcript variant (2), intron variant (1).
Genome position (GRCh38, 1-based): chr17:35,107,372, T>G on the plus strand (A>C on the coding strand, the complement: RAD51D is on the minus strand). VCF-style: chr17-35107372-T-G. GRCh37 (hg19) VCF-style: chr17-33434391-T-G.
Other names: c.399A>C, p.Lys133Asn (NM_001142571.2); c.145-891A>C (NM_133629.3); short protein forms K113N, K133N.
Identifiers: ClinVar variation 185853 (VCV000185853.31), dbSNP rs786202507, ClinGen allele CA193164.
Genomic context (GRCh38, chr17:35,107,372, plus strand): 5'-ATGCATCTACCACCCTCACCCCTAAATCCTCCTGACTGCTGGCCTCACATGTACCTGAGT[T>G]TTGCCGCTACCTGGGCCTCCTACAATTTCAGTCACTTCTCCAGTATAGAGACCAGCATCA-3'
Protein context (NP_002869.3, residues 103-123): TEIVGGPGSG[Lys113Asn]TQVCLCMAAN